The following is an entry in ClinVar:

ClinVar aggregate classification (germline): Likely pathogenic (1 of 4 stars; one submission).

Conditions:
Bifunctional peroxisomal enzyme deficiency (DBIF). Also called: DBP DEFICIENCY; PBFE DEFICIENCY; D-bifunctional protein deficiency. Identifiers: Orphanet 300, MedGen C0342870, MONDO:0009855, OMIM 261515. Disease mechanism: loss of function.

Submission:

Myriad Genetics, Inc.
Classification: Likely pathogenic for Bifunctional peroxisomal enzyme deficiency. Last evaluated: 2022-01-14. Review status: criteria provided, single submitter. Criteria: Myriad Autosomal Dominant, Autosomal Recessive and X-Linked Classification Criteria (2023). Collection method: clinical testing. Allele origin: unknown.
Comment: NM_000414.3(HSD17B4):c.241A>T(K81*) is expected to be pathogenic in the context of HSD17B4-related disorders. This variant is predicted to lead to an abnormal or absent protein product due to the creation of a premature termination codon in HSD17B4, a gene where loss-of-function variants are known to be pathogenic. Please note: this variant was assessed in the context of healthy population screening.

NM_000414.4(HSD17B4):c.241A>T (p.Lys81Ter)

Gene: HSD17B4 (hydroxysteroid 17-beta dehydrogenase 4; plus strand). Cytogenetic location: 5q23.1.
Variant type: single nucleotide variant.
Coding change: c.241A>T on transcript NM_000414.4 (MANE Select); coding-DNA position 241, A replaced by T.
Protein change: p.Lys81Ter; replaces lysine 81 with a stop codon.
Molecular consequence: nonsense. On other transcripts: 5 prime UTR variant (6), non-coding transcript variant (2).
Genome position (GRCh38, 1-based): chr5:119,474,421, A>T. VCF-style: chr5-119474421-A-T. GRCh37 (hg19) VCF-style: chr5-118810116-A-T.
Other names: c.316A>T, p.Lys106Ter (NM_001199291.3); c.187A>T, p.Lys63Ter (NM_001199292.2); c.169A>T, p.Lys57Ter (NM_001292027.2); c.-171A>T (NM_001292028.2, NM_001374501.1, NM_001374502.1 and 1 more transcripts); c.241A>T, p.Lys81Ter (NM_001374497.1, NM_001374498.1); c.-40A>T (NM_001374499.1); c.-298A>T (NM_001374500.1); short protein forms K106*, K57*, K63*, K81*.
Identifiers: ClinVar variation 1723938 (VCV001723938.3), dbSNP rs1026521515, ClinGen allele CA360864585.
Genomic context (GRCh38, chr5:119,474,421, plus strand): 5'-GAGGTTGCCGAAATTTCATACAAATTTTCCTTTCCCTCAGATTCAGTGGAAGAAGGAGAG[A>T]AGGTTGTGAAGACAGCCCTGGATGCTTTTGGAAGAATAGGTGATGTTTCTTTGTGTTATG-3'